The following is an entry in ClinVar:

ClinVar aggregate classification (germline): Uncertain significance (1 of 4 stars; one submission).

Submission:

Labcorp Genetics (formerly Invitae), Labcorp
Classification: Uncertain significance. Last evaluated: 2024-11-04. Review status: criteria provided, single submitter. Criteria: Invitae Variant Classification Sherloc (09022015). Collection method: clinical testing. Allele origin: germline.
Comment: This sequence change replaces leucine, which is neutral and non-polar, with arginine, which is basic and polar, at codon 652 of the SAMD9 protein (p.Leu652Arg). This variant is not present in population databases (gnomAD no frequency). This variant has not been reported in the literature in individuals affected with SAMD9-related conditions. Invitae Evidence Modeling of protein sequence and biophysical properties (such as structural, functional, and spatial information, amino acid conservation, physicochemical variation, residue mobility, and thermodynamic stability) has been performed for this missense variant. However, the output from this modeling did not meet the statistical confidence thresholds required to predict the impact of this variant on SAMD9 protein function. In summary, the available evidence is currently insufficient to determine the role of this variant in disease. Therefore, it has been classified as a Variant of Uncertain Significance.

NM_017654.4(SAMD9):c.1955T>G (p.Leu652Arg)

Gene: SAMD9 (sterile alpha motif domain containing 9; minus strand). Cytogenetic location: 7q21.2.
Variant type: single nucleotide variant.
Coding change: c.1955T>G on transcript NM_017654.4 (MANE Select); coding-DNA position 1955, T replaced by G.
Protein change: p.Leu652Arg; replaces leucine 652 with arginine.
Molecular consequence: missense variant.
Genome position (GRCh38, 1-based): chr7:93,104,143, A>C on the plus strand (T>G on the coding strand, the complement: SAMD9 is on the minus strand). VCF-style: chr7-93104143-A-C. GRCh37 (hg19) VCF-style: chr7-92733456-A-C.
Other names: c.1955T>G, p.Leu652Arg (NM_001193307.2); short protein forms L652R.
Identifiers: ClinVar variation 3636743 (VCV003636743.2).